The following is an entry in ClinVar:

ClinVar aggregate classification (germline): Uncertain significance (1 of 4 stars; one submission).

Submission:

Ambry Genetics
Classification: Uncertain significance. Last evaluated: 2024-02-12. Review status: criteria provided, single submitter. Criteria: Ambry Variant Classification Scheme 2023. Collection method: clinical testing. Allele origin: germline.
Comment: The p.P197R variant (also known as c.590C>G), located in coding exon 6 of the NQO1 gene, results from a C to G substitution at nucleotide position 590. The proline at codon 197 is replaced by arginine, an amino acid with dissimilar properties. This amino acid position is conserved. In addition, this alteration is predicted to be tolerated by in silico analysis. Based on the available evidence, the clinical significance of this alteration remains unclear.

NM_000903.3(NQO1):c.590C>G (p.Pro197Arg)

Gene: NQO1 (NAD(P)H quinone dehydrogenase 1; minus strand). Cytogenetic location: 16q22.1.
Variant type: single nucleotide variant.
Coding change: c.590C>G on transcript NM_000903.3 (MANE Select); coding-DNA position 590, C replaced by G.
Protein change: p.Pro197Arg; replaces proline 197 with arginine.
Molecular consequence: missense variant.
Genome position (GRCh38, 1-based): chr16:69,711,211, G>C on the plus strand (C>G on the coding strand, the complement: NQO1 is on the minus strand). VCF-style: chr16-69711211-G-C. GRCh37 (hg19) VCF-style: chr16-69745114-G-C.
Other names: c.488C>G, p.Pro163Arg (NM_001025433.2); c.476C>G, p.Pro159Arg (NM_001025434.2); c.374C>G, p.Pro125Arg (NM_001286137.2); short protein forms P125R, P159R, P163R, P197R.
Identifiers: ClinVar variation 3232316 (VCV003232316.1), dbSNP rs1350942968, ClinGen allele CA396487812.